The following is an entry in ClinVar:

ClinVar aggregate classification (germline): Uncertain significance (1 of 4 stars; one submission).

Conditions:
Myofibrillar myopathy 4. Also called: Zaspopathy (type). Identifiers: Orphanet 98912, MedGen C4721886, MONDO:0012277, OMIM 609452.

gnomAD v4.1: 1 of 1,613,010 alleles (0.000062%); highest among the groups gnomAD compares: East Asian, 0.0022%; no homozygotes.

Submission:

Labcorp Genetics (formerly Invitae), Labcorp
Classification: Uncertain significance for Myofibrillar myopathy 4. Last evaluated: 2024-09-02. Review status: criteria provided, single submitter. Criteria: Invitae Variant Classification Sherloc (09022015). Collection method: clinical testing. Allele origin: germline.
Comment: The LDB3 gene has multiple clinically relevant transcripts. This variant occurs in alternate transcript NM_007078.3, and corresponds to NM_001080116.1:c.*10610G>C in the primary transcript. This sequence change replaces alanine, which is neutral and non-polar, with proline, which is neutral and non-polar, at codon 389 of the LDB3 protein (p.Ala389Pro). This variant is present in population databases (no rsID available, gnomAD 0.006%). This variant has not been reported in the literature in individuals affected with LDB3-related conditions. Experimental studies and prediction algorithms are not available or were not evaluated, and the functional significance of this variant is currently unknown. In summary, the available evidence is currently insufficient to determine the role of this variant in disease. Therefore, it has been classified as a Variant of Uncertain Significance.

NM_007078.3(LDB3):c.1165G>C (p.Ala389Pro)

Gene: LDB3 (LIM domain binding 3; plus strand). Cytogenetic location: 10q23.2.
Variant type: single nucleotide variant.
Coding change: c.1165G>C on transcript NM_007078.3 (MANE Select); coding-DNA position 1165, G replaced by C.
Protein change: p.Ala389Pro; replaces alanine 389 with proline.
Molecular consequence: missense variant.
Genome position (GRCh38, 1-based): chr10:86,709,984, G>C. VCF-style: chr10-86709984-G-C. GRCh37 (hg19) VCF-style: chr10-88469741-G-C.
Other names: c.835G>C, p.Ala279Pro (NM_001080114.2); c.1180G>C, p.Ala394Pro (NM_001171610.2); c.976G>C, p.Ala326Pro (NM_001368064.1, NM_001368065.1); c.1024G>C, p.Ala342Pro (NM_001368066.1); short protein forms A279P, A326P, A342P, A389P, A394P.
Identifiers: ClinVar variation 3614035 (VCV003614035.2).